The following is an entry in ClinVar:

NM_001318852.2(MAPK8IP3):c.65G>T (p.Gly22Val)

Gene: MAPK8IP3 (mitogen-activated protein kinase 8 interacting protein 3; plus strand). Cytogenetic location: 16p13.3.
Variant type: single nucleotide variant.
Coding change: c.65G>T on transcript NM_001318852.2 (MANE Select); coding-DNA position 65, G replaced by T.
Protein change: p.Gly22Val; replaces glycine 22 with valine.
Molecular consequence: missense variant.
Genome position (GRCh38, 1-based): chr16:1,706,404, G>T. VCF-style: chr16-1706404-G-T. GRCh37 (hg19) VCF-style: chr16-1756405-G-T.
Other names: c.65G>T, p.Gly22Val (NM_001040439.2, NM_015133.5); short protein forms G22V.
Identifiers: ClinVar variation 4536496 (VCV004536496.1).

ClinVar aggregate classification (germline): Uncertain significance (1 of 4 stars; one submission).

Submission:

GeneDx
Classification: Uncertain significance. Last evaluated: 2025-06-06. Review status: criteria provided, single submitter. Criteria: GeneDx Variant Classification Process June 2021. Collection method: clinical testing. Allele origin: germline. Affected: yes.
Comment: Not observed at significant frequency in large population cohorts (gnomAD); In silico analysis suggests that this missense variant does not alter protein structure/function; Has not been previously published as pathogenic or benign to our knowledge